The following is an entry in ClinVar:

NM_015693.4(INTU):c.2524A>G (p.Ile842Val)

Gene: INTU (inturned planar cell polarity protein; plus strand). Cytogenetic location: 4q28.1.
Variant type: single nucleotide variant.
Coding change: c.2524A>G on transcript NM_015693.4 (MANE Select); coding-DNA position 2524, A replaced by G.
Protein change: p.Ile842Val; replaces isoleucine 842 with valine.
Molecular consequence: missense variant.
Genome position (GRCh38, 1-based): chr4:127,711,067, A>G. VCF-style: chr4-127711067-A-G. GRCh37 (hg19) VCF-style: chr4-128632222-A-G.
Other names: short protein forms I842V.
Identifiers: ClinVar variation 1951380 (VCV001951380.5), dbSNP rs757253533, ClinGen allele CA3075350.

ClinVar aggregate classification (germline): Uncertain significance (1 of 4 stars; one submission).

Allele frequency attached by ClinVar (database versions not stated): gnomAD exomes below 0.00001; ExAC 0.00001.

Submission:

Labcorp Genetics (formerly Invitae), Labcorp
Classification: Uncertain significance. Last evaluated: 2022-02-18. Review status: criteria provided, single submitter. Criteria: Invitae Variant Classification Sherloc (09022015). Collection method: clinical testing. Allele origin: germline.
Comment: In summary, the available evidence is currently insufficient to determine the role of this variant in disease. Therefore, it has been classified as a Variant of Uncertain Significance. Algorithms developed to predict the effect of missense changes on protein structure and function (SIFT, PolyPhen-2, Align-GVGD) all suggest that this variant is likely to be disruptive. This variant has not been reported in the literature in individuals affected with INTU-related conditions. This variant is present in population databases (rs757253533, gnomAD 0.003%). This sequence change replaces isoleucine, which is neutral and non-polar, with valine, which is neutral and non-polar, at codon 842 of the INTU protein (p.Ile842Val).